The following is an entry in ClinVar:

NM_001191061.2(SLC25A22):c.587+26dup

Gene: SLC25A22 (solute carrier family 25 member 22; minus strand). Cytogenetic location: 11p15.5.
Variant type: Duplication.
Coding change: c.587+26dup on transcript NM_001191061.2 (MANE Select); 26 bases into the intron after coding-DNA position 587, one base duplicated (G; older notation c.587+26dupG).
Molecular consequence: intron variant.
Genome position (GRCh38, 1-based): chr11:792,527, C duplicated on the plus strand (G on the coding strand, the reverse complement: SLC25A22 is on the minus strand); the first of 6 consecutive C bases (chr11:792,527-792,532); duplicating any one gives the same sequence. VCF-style (leftmost placement, unchanged base first): chr11-792526-T-TC. GRCh37 (hg19) VCF-style: chr11-792526-T-TC.
Other names: c.587+26dupG (NM_024698.5); c.587+26dup (NM_001191060.2, NM_024698.6).
Identifiers: ClinVar variation 418495 (VCV000418495.1), dbSNP rs543775528, ClinGen allele CA5789135.
Genomic context (GRCh38, chr11:792,526, plus strand): 5'-GAGGGAGGTGGCCGTGGGGACAGGAGGTGGTGGGGTGGGCAGGCCGGCCTCCCCCTTCCC[T>TC]CCCCCCACCTGCCCTGTGCCTCCTACCTGAGCAGCGTGGCCCCGAGTCCCTTGTAGAGAC-3'

ClinVar aggregate classification (germline): Likely benign (1 of 4 stars; one submission).

Submission:

GeneDx
Classification: Likely benign. Last evaluated: 2016-02-09. Review status: criteria provided, single submitter. Criteria: GeneDx Variant Classification (06012015). Collection method: clinical testing. Allele origin: germline. Affected: yes.
Comment: This variant is considered likely benign or benign based on one or more of the following criteria: it is a conservative change, it occurs at a poorly conserved position in the protein, it is predicted to be benign by multiple in silico algorithms, and/or has population frequency not consistent with disease.